The following is an entry in ClinVar:

ClinVar aggregate classification (germline): Uncertain significance. Review status: criteria provided, multiple submitters, no conflicts (2 of 4 stars). 2 submissions from 2 submitters: Uncertain significance (2). Last evaluated 2026-04-15.

Conditions:
BEST1-related disorder. Also called: BEST1-related condition; BEST1-related disorders. Identifiers: MedGen CN239200.

Allele frequency attached by ClinVar (database versions not stated): gnomAD exomes below 0.00001 and 0.00001; TOPMed below 0.00001; ExAC 0.00001.

Submissions (2):

PreventionGenetics, part of Exact Sciences
Classification: Uncertain significance for BEST1-related condition. Last evaluated: 2026-04-15. Review status: criteria provided, single submitter. Criteria: ACMG Guidelines, 2015. Collection method: clinical testing. Allele origin: germline.
Comment: The BEST1 c.986T>C variant is predicted to result in the amino acid substitution p.Leu329Pro. This variant was previously reported, along with a second BEST1 variant, in an individual with retinal disease (supplementary data, Lin et al. 2024. PubMed ID: 38219857). This variant is reported in 0.0029% of alleles in individuals of Latino descent in gnomAD. At this time, the clinical significance of this variant is uncertain due to the absence of conclusive functional and genetic evidence.

Labcorp Genetics (formerly Invitae), Labcorp
Classification: Uncertain significance. Last evaluated: 2025-10-06. Review status: criteria provided, single submitter. Criteria: Invitae Variant Classification Sherloc (09022015). Collection method: clinical testing. Allele origin: germline.
Comment: This sequence change replaces leucine, which is neutral and non-polar, with proline, which is neutral and non-polar, at codon 329 of the BEST1 protein (p.Leu329Pro). This variant is present in population databases (rs747224737, gnomAD 0.003%). This missense change has been observed in individual(s) with inherited retinal disease (PMID: 38219857). ClinVar contains an entry for this variant (Variation ID: 1347504). Invitae Evidence Modeling of protein sequence and biophysical properties (such as structural, functional, and spatial information, amino acid conservation, physicochemical variation, residue mobility, and thermodynamic stability) indicates that this missense variant is expected to disrupt BEST1 protein function with a positive predictive value of 95%. In summary, the available evidence is currently insufficient to determine the role of this variant in disease. Therefore, it has been classified as a Variant of Uncertain Significance.

Literature cited by the submitters: PubMed 38219857 (cited by Labcorp Genetics (formerly Invitae), Labcorp).

NM_004183.4(BEST1):c.986T>C (p.Leu329Pro)

Gene: BEST1 (bestrophin 1; plus strand). Cytogenetic location: 11q12.3.
Variant type: single nucleotide variant.
Coding change: c.986T>C on transcript NM_004183.4 (MANE Select); coding-DNA position 986, T replaced by C.
Protein change: p.Leu329Pro; replaces leucine 329 with proline.
Molecular consequence: missense variant. On other transcripts: non-coding transcript variant (1).
Genome position (GRCh38, 1-based): chr11:61,959,929, T>C. VCF-style: chr11-61959929-T-C. GRCh37 (hg19) VCF-style: chr11-61727401-T-C.
Other names: c.986T>C (NM_004183.3); c.806T>C, p.Leu269Pro (NM_001139443.3, NM_001300787.2); c.725T>C, p.Leu242Pro (NM_001300786.2); c.668T>C, p.Leu223Pro (NM_001363591.3); c.1189T>C, p.Cys397Arg (NM_001363592.2); c.14T>C, p.Leu5Pro (NM_001363593.3); short protein forms L223P, L242P, C397R, L5P, L329P, L269P.
Identifiers: ClinVar variation 1347504 (VCV001347504.10), dbSNP rs747224737, ClinGen allele CA6040961.